The following is an entry in ClinVar:

ClinVar aggregate classification (germline): Uncertain significance (1 of 4 stars; one submission).

Conditions:
Glycogen storage disease XV (GSD15). Also called: GLYCOGENIN DEFICIENCY; GSD XV. Identifiers: Orphanet 263297, MedGen C3150754, MONDO:0013291, OMIM 613507.
Polyglucosan body myopathy type 2. Identifiers: Orphanet 456369, MedGen C4015452, MONDO:0014526, OMIM 616199.

Allele frequency attached by ClinVar (database versions not stated): gnomAD exomes below 0.00001; TOPMed below 0.00001.

Submission:

Labcorp Genetics (formerly Invitae), Labcorp
Classification: Uncertain significance for Polyglucosan body myopathy type 2; Glycogen storage disease XV. Last evaluated: 2022-07-21. Review status: criteria provided, single submitter. Criteria: Invitae Variant Classification Sherloc (09022015). Collection method: clinical testing. Allele origin: germline.
Comment: This sequence change replaces asparagine, which is neutral and polar, with serine, which is neutral and polar, at codon 147 of the GYG1 protein (p.Asn147Ser). This variant is present in population databases (no rsID available, gnomAD 0.003%). In summary, the available evidence is currently insufficient to determine the role of this variant in disease. Therefore, it has been classified as a Variant of Uncertain Significance. Algorithms developed to predict the effect of missense changes on protein structure and function output the following: SIFT: "Tolerated"; PolyPhen-2: "Benign"; Align-GVGD: "Class C0". The serine amino acid residue is found in multiple mammalian species, which suggests that this missense change does not adversely affect protein function. This variant has not been reported in the literature in individuals affected with GYG1-related conditions.

NM_004130.4(GYG1):c.440A>G (p.Asn147Ser)

Gene: GYG1 (glycogenin 1; plus strand). Cytogenetic location: 3q24.
Variant type: single nucleotide variant.
Coding change: c.440A>G on transcript NM_004130.4 (MANE Select); coding-DNA position 440, A replaced by G.
Protein change: p.Asn147Ser; replaces asparagine 147 with serine.
Molecular consequence: missense variant.
Genome position (GRCh38, 1-based): chr3:148,996,863, A>G. VCF-style: chr3-148996863-A-G. GRCh37 (hg19) VCF-style: chr3-148714650-A-G.
Other names: c.440A>G, p.Asn147Ser (NM_001184720.2, NM_001184721.2); short protein forms N147S.
Identifiers: ClinVar variation 2062490 (VCV002062490.4), dbSNP rs1277490716, ClinGen allele CA354903349.